The following is an entry in ClinVar:

ClinVar aggregate classification (germline): Pathogenic (1 of 4 stars; one submission).

Submission:

Labcorp Genetics (formerly Invitae), Labcorp
Classification: Pathogenic. Last evaluated: 2023-09-18. Review status: criteria provided, single submitter. Criteria: Invitae Variant Classification Sherloc (09022015). Collection method: clinical testing. Allele origin: unknown.
Comment: For these reasons, this variant has been classified as Pathogenic. This variant has not been reported in the literature in individuals affected with FRAS1-related conditions. This variant is a gross deletion of the genomic region encompassing exon(s) 16-49 of the FRAS1 gene. This deletion is out-of-frame, and is expected to create a premature termination codon and result in an absent or disrupted protein product. Loss-of-function variants in FRAS1 are known to be pathogenic (PMID: 12766769, 18671281).

Literature cited by the submitters: PubMed 12766769; PubMed 18671281.

NC_000004.11:g.(?_79236728)_(79385757_?)del

Gene: FRAS1 (Fraser extracellular matrix complex subunit 1; plus strand). Cytogenetic location: 4q21.21.
Variant type: Deletion.
Identifiers: ClinVar variation 3246759 (VCV003246759.1).